The following is an entry in ClinVar:

NM_001110556.2(FLNA):c.7372G>A (p.Gly2458Arg)

Gene: FLNA (filamin A; minus strand). Cytogenetic location: Xq28.
Variant type: single nucleotide variant.
Coding change: c.7372G>A on transcript NM_001110556.2 (MANE Select); coding-DNA position 7372, G replaced by A.
Protein change: p.Gly2458Arg; replaces glycine 2458 with arginine.
Molecular consequence: missense variant.
Genome position (GRCh38, 1-based): chrX:154,349,829, C>T on the plus strand (G>A on the coding strand, the complement: FLNA is on the minus strand). VCF-style: chrX-154349829-C-T. GRCh37 (hg19) VCF-style: chrX-153578197-C-T.
Other names: c.7348G>A, p.Gly2450Arg (NM_001456.4); short protein forms G2450R, G2458R.
Identifiers: ClinVar variation 1477934 (VCV001477934.6), dbSNP rs2148100988, ClinGen allele CA415182935.

ClinVar aggregate classification (germline): Uncertain significance (1 of 4 stars; one submission).

Conditions:
Oto-palato-digital syndrome, type II (OPD2). Also called: FACIOPALATOOSSEOUS SYNDROME; OPD II SYNDROME; Otopalatodigital Syndrome, Type II; Otopalatodigital Syndrome Type 2 (FLNA-OPD2). Identifiers: Orphanet 669, Orphanet 90652, MedGen C1844696, MONDO:0010571, OMIM 304120.
Heterotopia, periventricular, X-linked dominant (PVNH1). Also called: PERIVENTRICULAR NODULAR HETEROTOPIA 4; HETEROTOPIA, PERIVENTRICULAR, 1; PERIVENTRICULAR NODULAR HETEROTOPIA 1; X-linked periventricular heterotopia. Identifiers: Orphanet 2149, Orphanet 82004, MedGen C1848213, MONDO:0010233, OMIM 300049.
Melnick-Needles syndrome (MNS). Also called: MELNICK-NEEDLES OSTEODYSPLASTY; OSTEODYSPLASTY OF MELNICK AND NEEDLES; Melnick-Needles Syndrome (FLNA-MNS). Identifiers: Orphanet 2484, MedGen C0025237, MONDO:0010650, OMIM 309350.
Frontometaphyseal dysplasia (FMD1). Identifiers: Orphanet 1826, MedGen C0265293, MONDO:0015942.

Submission:

Labcorp Genetics (formerly Invitae), Labcorp
Classification: Uncertain significance for Oto-palato-digital syndrome, type II; Heterotopia, periventricular, X-linked dominant; Frontometaphyseal dysplasia; Melnick-Needles syndrome. Last evaluated: 2021-09-26. Review status: criteria provided, single submitter. Criteria: Invitae Variant Classification Sherloc (09022015). Collection method: clinical testing. Allele origin: germline.
Comment: This variant is not present in population databases (ExAC no frequency). In summary, the available evidence is currently insufficient to determine the role of this variant in disease. Therefore, it has been classified as a Variant of Uncertain Significance. Algorithms developed to predict the effect of missense changes on protein structure and function are either unavailable or do not agree on the potential impact of this missense change (SIFT: "Deleterious"; PolyPhen-2: "Probably Damaging"; Align-GVGD: "Class C15"). This variant has not been reported in the literature in individuals affected with FLNA-related conditions. This sequence change replaces glycine with arginine at codon 2450 of the FLNA protein (p.Gly2450Arg). The glycine residue is highly conserved and there is a moderate physicochemical difference between glycine and arginine.